The following is an entry in ClinVar:

ClinVar aggregate classification (germline): Uncertain significance. Review status: criteria provided, single submitter (1 of 4 stars). 2 submissions from 2 submitters: Uncertain significance (1). 1 of the submissions does not count toward it. Last evaluated 2022-05-15.

Conditions:
Athabaskan severe combined immunodeficiency (SCIDA). Also called: Severe combined immunodeficiency, athabascan-type. Identifiers: MedGen C1865370.
Severe combined immunodeficiency due to DCLRE1C deficiency (RS-SCID). Also called: SCID, AUTOSOMAL RECESSIVE, T CELL-NEGATIVE, B CELL-NEGATIVE, NK CELL-POSITIVE, WITH SENSITIVITY TO IONIZING RADIATION. Identifiers: Orphanet 275, MedGen C1865371, MONDO:0011225, OMIM 602450.

Allele frequency attached by ClinVar (database versions not stated): gnomAD exomes 0.00002 and 0.00001; ExAC 0.00004.
gnomAD v4.1: 6 of 1,614,202 alleles (0.00037%); highest among the groups gnomAD compares: Non-Finnish European, 0.00051%; no homozygotes.

Submissions (2):

Labcorp Genetics (formerly Invitae), Labcorp
Classification: Uncertain significance for Athabaskan severe combined immunodeficiency. Last evaluated: 2022-05-15. Review status: criteria provided, single submitter. Criteria: Invitae Variant Classification Sherloc (09022015). Collection method: clinical testing. Allele origin: germline.
Comment: This sequence change replaces valine, which is neutral and non-polar, with alanine, which is neutral and non-polar, at codon 229 of the DCLRE1C protein (p.Val229Ala). In summary, the available evidence is currently insufficient to determine the role of this variant in disease. Therefore, it has been classified as a Variant of Uncertain Significance. Algorithms developed to predict the effect of missense changes on protein structure and function are either unavailable or do not agree on the potential impact of this missense change (SIFT: "Tolerated"; PolyPhen-2: "Probably Damaging"; Align-GVGD: "Class C0"). ClinVar contains an entry for this variant (Variation ID: 579114). This variant has not been reported in the literature in individuals affected with DCLRE1C-related conditions. This variant is present in population databases (rs756395955, gnomAD 0.004%).

Natera, Inc.
Classification: Uncertain significance for Athabascan severe combined immunodeficiency. Last evaluated: 2019-10-28. Review status: no assertion criteria provided. Collection method: clinical testing. Allele origin: germline. Not counted in ClinVar's aggregate classification.

NM_001033855.3(DCLRE1C):c.686T>C (p.Val229Ala)

Gene: DCLRE1C (DNA cross-link repair 1C; minus strand). Cytogenetic location: 10p13.
Variant type: single nucleotide variant.
Coding change: c.686T>C on transcript NM_001033855.3 (MANE Select); coding-DNA position 686, T replaced by C.
Protein change: p.Val229Ala; replaces valine 229 with alanine.
Molecular consequence: missense variant. On other transcripts: non-coding transcript variant (4).
Genome position (GRCh38, 1-based): chr10:14,932,948, A>G on the plus strand (T>C on the coding strand, the complement: DCLRE1C is on the minus strand). VCF-style: chr10-14932948-A-G. GRCh37 (hg19) VCF-style: chr10-14974947-A-G.
Other names: c.326T>C, p.Val109Ala (NM_001033857.3, NM_001033858.3, NM_001289077.2 and 2 more transcripts); c.341T>C, p.Val114Ala (NM_001289076.2, NM_001289078.2, NM_001350966.2 and 1 more transcripts); c.686T>C, p.Val229Ala (NM_001350965.2); short protein forms V229A, V109A, V114A.
Identifiers: ClinVar variation 579114 (VCV000579114.10), dbSNP rs756395955, ClinGen allele CA5416710.